The following is an entry in ClinVar:

NM_016247.4(IMPG2):c.826G>T (p.Glu276Ter)

Gene: IMPG2 (interphotoreceptor matrix proteoglycan 2; minus strand). Cytogenetic location: 3q12.3.
Variant type: single nucleotide variant.
Coding change: c.826G>T on transcript NM_016247.4 (MANE Select); coding-DNA position 826, G replaced by T.
Protein change: p.Glu276Ter; replaces glutamic acid 276 with a stop codon.
Molecular consequence: nonsense.
Genome position (GRCh38, 1-based): chr3:101,273,583, C>A on the plus strand (G>T on the coding strand, the complement: IMPG2 is on the minus strand). VCF-style: chr3-101273583-C-A. GRCh37 (hg19) VCF-style: chr3-100992427-C-A.
Other names: short protein forms E276*.
Identifiers: ClinVar variation 866788 (VCV000866788.3), dbSNP rs746003280, ClinGen allele CA2519382.
Genomic context (GRCh38, chr3:101,273,583, plus strand): 5'-TATAGGAAACTAACATAGCAGGCATACTGCCTTGTTTGTTTTTTTTTTAATCACCCACCT[C>A]TGAAATAAATTCTTCTTCAAGGTGCTGGTGGTGAAAGCTGGAGGAATCCTGTAGTTCTTC-3'

ClinVar aggregate classification (germline): Likely pathogenic. Review status: criteria provided, multiple submitters, no conflicts (2 of 4 stars). 2 submissions from 2 submitters: Likely pathogenic (2). Last evaluated 2026-03-08.

Conditions:
IMPG2-related disorder. Also called: IMPG2-related condition.
IMPG2-related disorders.

Allele frequency attached by ClinVar (database versions not stated): gnomAD exomes below 0.00001; ExAC 0.00001; gnomAD 0.00001; TOPMed 0.00001.
gnomAD v4.1: 4 of 1,613,816 alleles (0.00025%); highest among the groups gnomAD compares: Non-Finnish European, 0.00034%; no homozygotes.

Submissions (2):

PreventionGenetics, part of Exact Sciences
Classification: Likely pathogenic for IMPG2-related condition. Last evaluated: 2026-03-08. Review status: criteria provided, single submitter. Criteria: ACMG Guidelines, 2015. Collection method: clinical testing. Allele origin: germline.
Comment: The IMPG2 c.826G>T variant is predicted to result in premature protein termination (p.Glu276*). This variant has been reported in the homozygous state in an individual with retinal disease (in supplementary tables, Holtan et al. 2020. PubMed ID: 31429209). This variant is reported in 0.00088% of alleles in individuals of European (Non-Finnish) descent in gnomAD. Nonsense variants in IMPG2 are expected to be pathogenic. This variant is interpreted as likely pathogenic.

Blueprint Genetics
Classification: Likely pathogenic for IMPG2-related disorders. Last evaluated: 2024-11-19. Review status: criteria provided, single submitter. Criteria: ACMG Guidelines, 2015. Collection method: clinical testing. Allele origin: germline. Affected: yes. Observed: 5 variant alleles.